The following is an entry in ClinVar:

NM_004304.5(ALK):c.3352C>T (p.Leu1118Phe)

Gene: ALK (ALK receptor tyrosine kinase; minus strand). Cytogenetic location: 2p23.2.
Variant type: single nucleotide variant.
Coding change: c.3352C>T on transcript NM_004304.5 (MANE Select); coding-DNA position 3352, C replaced by T.
Protein change: p.Leu1118Phe; replaces leucine 1118 with phenylalanine.
Molecular consequence: missense variant.
Genome position (GRCh38, 1-based): chr2:29,223,349, G>A on the plus strand (C>T on the coding strand, the complement: ALK is on the minus strand). VCF-style: chr2-29223349-G-A. GRCh37 (hg19) VCF-style: chr2-29446215-G-A.
Other names: c.148C>T, p.Leu50Phe (NM_001353765.2); c.3352C>T (NM_004304.4); short protein forms L50F, L1118F.
Identifiers: ClinVar variation 2958814 (VCV002958814.4), dbSNP rs1472845031, ClinGen allele CA346464611.
Genomic context (GRCh38, chr2:29,223,349, plus strand): 5'-TTCAGCCCCTACACTGCACCCCTCTCCTCCCAGGACGGCAGCAGGGCGCTCACCGAATGA[G>A]GGTGATGTTTTTCCGCGGCACCTCCTTCAGGTCACTGATGGAGGAGGTCTTGCCAGCAAA-3'
Protein context (NP_004295.2, residues 1108-1128): LKEVPRKNIT[Leu1118Phe]IRGLGHGAFG

ClinVar aggregate classification (germline): Uncertain significance. Review status: criteria provided, multiple submitters, no conflicts (2 of 4 stars). 2 submissions from 2 submitters: Uncertain significance (2). Last evaluated 2025-04-18.

Conditions:
Neuroblastoma, susceptibility to, 3. Also called: ALK-Related Neuroblastic Tumor Susceptibility. Identifiers: Orphanet 635, MedGen C2751681, MONDO:0013083, OMIM 613014.
Hereditary cancer-predisposing syndrome. Also called: Tumor predisposition; Hereditary Cancer Syndrome; Neoplastic Syndromes, Hereditary; Hereditary neoplastic syndrome. Identifiers: Orphanet 140162, MedGen C0027672, MeSH D009386, MONDO:0015356.

Allele frequency attached by ClinVar (database versions not stated): gnomAD exomes below 0.00001; gnomAD 0.00001; TOPMed 0.00001.
gnomAD v4.1: 2 of 1,613,996 alleles (0.00012%); highest among the groups gnomAD compares: African/African-American, 0.0013%; no homozygotes.

Submissions (2):

Ambry Genetics
Classification: Uncertain significance for Hereditary cancer-predisposing syndrome. Last evaluated: 2025-04-18. Review status: criteria provided, single submitter. Criteria: Ambry Variant Classification Scheme 2023. Collection method: clinical testing. Allele origin: germline.
Comment: The p.L1118F variant (also known as c.3352C>T), located in coding exon 20 of the ALK gene, results from a C to T substitution at nucleotide position 3352. The leucine at codon 1118 is replaced by phenylalanine, an amino acid with highly similar properties. This amino acid position is conserved. In addition, the in silico prediction for this alteration is inconclusive. Based on the available evidence, the clinical significance of this variant remains unclear.

Labcorp Genetics (formerly Invitae), Labcorp
Classification: Uncertain significance for Neuroblastoma, susceptibility to, 3. Last evaluated: 2023-01-24. Review status: criteria provided, single submitter. Criteria: Invitae Variant Classification Sherloc (09022015). Collection method: clinical testing. Allele origin: germline.
Comment: In summary, the available evidence is currently insufficient to determine the role of this variant in disease. Therefore, it has been classified as a Variant of Uncertain Significance. Algorithms developed to predict the effect of missense changes on protein structure and function are either unavailable or do not agree on the potential impact of this missense change (SIFT: "Deleterious"; PolyPhen-2: "Probably Damaging"; Align-GVGD: "Class C15"). This variant has not been reported in the literature in individuals affected with ALK-related conditions. This variant is not present in population databases (gnomAD no frequency). This sequence change replaces leucine, which is neutral and non-polar, with phenylalanine, which is neutral and non-polar, at codon 1118 of the ALK protein (p.Leu1118Phe).